The following is an entry in ClinVar:

ClinVar aggregate classification (germline): Benign (1 of 4 stars; one submission).

Conditions:
Fanconi anemia complementation group F. Also called: FANCF-Related Fanconi Anemia. Identifiers: Orphanet 84, MedGen C3469526, MONDO:0011325, OMIM 603467.

Allele frequency attached by ClinVar (database versions not stated): gnomAD exomes 0.00257; gnomAD 0.01640 and 0.01761; TOPMed 0.01876; 1000 Genomes Project 0.02356; 1000 Genomes Project 30x 0.02655.

Submission:

Illumina Laboratory Services, Illumina
Classification: Benign for Fanconi anemia complementation group F. Last evaluated: 2018-01-12. Review status: criteria provided, single submitter. Criteria: ICSL Variant Classification Criteria 13 December 2019. Collection method: clinical testing. Allele origin: germline.
Comment: This variant was observed in the ICSL laboratory as part of a predisposition screen in an ostensibly healthy population. It had not been previously curated by ICSL or reported in the Human Gene Mutation Database (HGMD: prior to June 1st, 2018), and was therefore a candidate for classification through an automated scoring system. Utilizing variant allele frequency, disease prevalence and penetrance estimates, and inheritance mode, an automated score was calculated to assess if this variant is too frequent to cause the disease. Based on the score and internal cut-off values, a variant classified as benign is not then subjected to further curation. The score for this variant resulted in a classification of benign for this disease.

NM_022725.4(FANCF):c.*319A>G

Gene: FANCF (FA complementation group F; minus strand). Cytogenetic location: 11p14.3.
Variant type: single nucleotide variant.
Coding change: c.*319A>G on transcript NM_022725.4 (MANE Select); 319 bases downstream of the stop codon, A replaced by G.
Molecular consequence: 3 prime UTR variant.
Genome position (GRCh38, 1-based): chr11:22,624,367, T>C on the plus strand (A>G on the coding strand, the complement: FANCF is on the minus strand). VCF-style: chr11-22624367-T-C. GRCh37 (hg19) VCF-style: chr11-22645913-T-C.
Identifiers: ClinVar variation 304195 (VCV000304195.5), dbSNP rs12294705, ClinGen allele CA10638819.